The following is an entry in ClinVar:

NM_032608.7(MYO18B):c.4913G>A (p.Arg1638Gln)

Gene: MYO18B (myosin XVIIIB; plus strand). Cytogenetic location: 22q12.1.
Variant type: single nucleotide variant.
Coding change: c.4913G>A on transcript NM_032608.7 (MANE Select); coding-DNA position 4913, G replaced by A.
Protein change: p.Arg1638Gln; replaces arginine 1638 with glutamine.
Molecular consequence: missense variant.
Genome position (GRCh38, 1-based): chr22:25,902,702, G>A. VCF-style: chr22-25902702-G-A. GRCh37 (hg19) VCF-style: chr22-26298669-G-A.
Other names: c.4916G>A, p.Arg1639Gln (NM_001318245.2); c.4913G>A (NM_032608.5); short protein forms R1639Q, R1638Q.
Identifiers: ClinVar variation 1354198 (VCV001354198.5), dbSNP rs758365982, ClinGen allele CA10161023.

ClinVar aggregate classification (germline): Uncertain significance. Review status: criteria provided, multiple submitters, no conflicts (2 of 4 stars). 2 submissions from 2 submitters: Uncertain significance (2). Last evaluated 2025-01-06.

Conditions:
Inborn genetic diseases. Identifiers: MedGen C0950123, MeSH D030342.

gnomAD v4.1: 10 of 1,591,436 alleles (0.00063%); highest among the groups gnomAD compares: Non-Finnish European, 0.00086%; no homozygotes.

Submissions (2):

Labcorp Genetics (formerly Invitae), Labcorp
Classification: Uncertain significance. Last evaluated: 2025-01-06. Review status: criteria provided, single submitter. Criteria: Invitae Variant Classification Sherloc (09022015). Collection method: clinical testing. Allele origin: germline.
Comment: This sequence change replaces arginine, which is basic and polar, with glutamine, which is neutral and polar, at codon 1638 of the MYO18B protein (p.Arg1638Gln). The frequency data for this variant in the population databases is considered unreliable, as metrics indicate poor data quality at this position in the gnomAD database. This variant has not been reported in the literature in individuals affected with MYO18B-related conditions. ClinVar contains an entry for this variant (Variation ID: 1354198). An algorithm developed to predict the effect of missense changes on protein structure and function outputs the following: PolyPhen-2: "Benign". The glutamine amino acid residue is found in multiple mammalian species, which suggests that this missense change does not adversely affect protein function. In summary, the available evidence is currently insufficient to determine the role of this variant in disease. Therefore, it has been classified as a Variant of Uncertain Significance.

Ambry Genetics
Classification: Uncertain significance for Inborn genetic diseases. Last evaluated: 2024-06-26. Review status: criteria provided, single submitter. Criteria: Ambry Variant Classification Scheme 2023. Collection method: clinical testing. Allele origin: germline.